The following is an entry in ClinVar:

ClinVar aggregate classification (germline): Uncertain significance. Review status: criteria provided, multiple submitters, no conflicts (2 of 4 stars). 5 submissions from 5 submitters: Uncertain significance (5). Last evaluated 2026-08-19.

Conditions:
SERPINA1-related disorder. Also called: SERPINA1-related condition; SerpinA1-related disorders.
Alpha-1-antitrypsin deficiency (A1ATD). Also called: Alpha1-Antitrypsin Deficiency; AAT deficiency; A1AT deficiency. Identifiers: Orphanet 60, MedGen C0221757, MONDO:0013282, OMIM 613490.

Allele frequency attached by ClinVar (database versions not stated): gnomAD 0.00001; gnomAD exomes 0.00002 and 0.00005; TOPMed 0.00003; ExAC 0.00005.
gnomAD v4.1: 34 of 1,614,200 alleles (0.0021%); highest among the groups gnomAD compares: Non-Finnish European, 0.0028%; no homozygotes.

Submissions (5):

Myriad Genetics, Inc.
Classification: Uncertain significance for Alpha-1-antitrypsin deficiency. Last evaluated: 2026-08-19. Review status: criteria provided, single submitter. Criteria: Myriad Autosomal Dominant, Autosomal Recessive and X-Linked Classification Criteria (2023). Collection method: clinical testing. Allele origin: unknown.
Comment: NM_000295.4(SERPINA1):c.875C>T(T292I) is a missense variant classified as a variant of uncertain significance in the context of alpha-1 antitrypsin deficiency. T292I has been observed in cases with relevant disease (PMID: 18515255, 26321041, 36797151). Relevant functional assessments of this variant are available in the literature (PMID: 38637533). T292I has been observed in referenced population frequency databases. In summary, there is insufficient evidence to classify NM_000295.4(SERPINA1):c.875C>T(T292I) as pathogenic or benign. Please note: this variant was assessed in the context of healthy population screening.

PreventionGenetics, part of Exact Sciences
Classification: Uncertain significance for SERPINA1-related condition. Last evaluated: 2025-01-29. Review status: criteria provided, single submitter. Criteria: ACMG Guidelines, 2015. Collection method: clinical testing. Allele origin: germline.
Comment: The SERPINA1 c.875C>T variant is predicted to result in the amino acid substitution p.Thr292Ile. This variant has been reported in the compound heterozygous state (with either the N or Z allele) in three individuals with reduced alpha-1-antitrypsin concentrations (Referred to as T268I in Zorzetto et al. 2008. PubMed ID: 18515255; Graham et al. 2015. PubMed ID: 26321041). This variant is reported in 0.011% of alleles in individuals of European (Non-Finnish) descent in gnomAD. Although we suspect that this variant may be pathogenic, at this time, the clinical significance of this variant is uncertain due to the absence of conclusive functional and genetic evidence.

Dasa
Classification: Uncertain significance for Alpha-1-antitrypsin deficiency. Last evaluated: 2025-01-10. Review status: criteria provided, single submitter. Criteria: DASA Assertion Criteria. Collection method: clinical testing. Allele origin: germline.
Comment: NM_000295.5(SERPINA1):c.875C>T (p.Thr292Ile) is a missense variant that results in the substitution of threonine with isoleucine. This variant has been reported in individuals with SERPINA1-related disorders (PMID: 18515255). Also, this variant is rare in population databases. The currently available literature and clinical evidence are not sufficient to establish a definitive association between this variant and the reported condition. Therefore, this variant is classified as a variant of uncertain significance.

Baylor Genetics
Classification: Uncertain significance for Alpha-1-antitrypsin deficiency. Last evaluated: 2022-06-28. Review status: criteria provided, single submitter. Criteria: ACMG Guidelines, 2015. Collection method: clinical testing. Allele origin: unknown.

Labcorp Genetics (formerly Invitae), Labcorp
Classification: Uncertain significance for Alpha-1-antitrypsin deficiency. Last evaluated: 2021-08-13. Review status: criteria provided, single submitter. Criteria: Invitae Variant Classification Sherloc (09022015). Collection method: clinical testing. Allele origin: germline.
Comment: This sequence change replaces threonine with isoleucine at codon 292 of the SERPINA1 protein (p.Thr292Ile). The threonine residue is weakly conserved and there is a moderate physicochemical difference between threonine and isoleucine. This variant is present in population databases (rs745624643, ExAC 0.009%). This missense change has been observed in individuals with alpha-1-antitrypsin deficiency (PMID: 18515255, 29882371). ClinVar contains an entry for this variant (Variation ID: 632222). Advanced modeling of protein sequence and biophysical properties (such as structural, functional, and spatial information, amino acid conservation, physicochemical variation, residue mobility, and thermodynamic stability) performed at Invitae indicates that this missense variant is not expected to disrupt SERPINA1 protein function. In summary, the available evidence is currently insufficient to determine the role of this variant in disease. Therefore, it has been classified as a Variant of Uncertain Significance.

Literature cited by the submitters: PubMed 18515255 (cited by 3 submitters); PubMed 26321041 (cited by Myriad Genetics, Inc. and Dasa); PubMed 36797151 (cited by Myriad Genetics, Inc.); PubMed 38637533 (cited by Myriad Genetics, Inc.); PubMed 29882371 (cited by Labcorp Genetics (formerly Invitae), Labcorp).

NM_000295.5(SERPINA1):c.875C>T (p.Thr292Ile)

Gene: SERPINA1 (serpin family A member 1; minus strand). Cytogenetic location: 14q32.13.
Variant type: single nucleotide variant.
Coding change: c.875C>T on transcript NM_000295.5 (MANE Select); coding-DNA position 875, C replaced by T.
Protein change: p.Thr292Ile; replaces threonine 292 with isoleucine.
Molecular consequence: missense variant.
Genome position (GRCh38, 1-based): chr14:94,380,913, G>A on the plus strand (C>T on the coding strand, the complement: SERPINA1 is on the minus strand). VCF-style: chr14-94380913-G-A. GRCh37 (hg19) VCF-style: chr14-94847250-G-A.
Other names: c.875C>T, p.Thr292Ile (NM_001002235.3, NM_001002236.3, NM_001127700.2 and 7 more transcripts); short protein forms T292I.
Identifiers: ClinVar variation 632222 (VCV000632222.10), dbSNP rs745624643, ClinGen allele CA7327387.